The following is an entry in ClinVar:

NM_005908.4(MANBA):c.1162C>T (p.Arg388Trp)

Gene: MANBA (mannosidase beta; minus strand). Cytogenetic location: 4q24.
Variant type: single nucleotide variant.
Coding change: c.1162C>T on transcript NM_005908.4 (MANE Select); coding-DNA position 1162, C replaced by T.
Protein change: p.Arg388Trp; replaces arginine 388 with tryptophan.
Molecular consequence: missense variant.
Genome position (GRCh38, 1-based): chr4:102,671,349, G>A on the plus strand (C>T on the coding strand, the complement: MANBA is on the minus strand). VCF-style: chr4-102671349-G-A. GRCh37 (hg19) VCF-style: chr4-103592506-G-A.
Other names: p.(Arg388Trp); c.1162C>T (NM_005908.3); short protein forms R388W.
Identifiers: ClinVar variation 2626858 (VCV002626858.3), dbSNP rs372595221, ClinGen allele CA3026990.

ClinVar aggregate classification (germline): Conflicting classifications of pathogenicity. Review status: criteria provided, conflicting classifications (1 of 4 stars). 2 submissions from 2 submitters: Likely pathogenic (1); Uncertain significance (1). Last evaluated 2024-11-15.

Conditions:
Beta-D-mannosidosis (MANSB). Also called: MANNOSIDOSIS, BETA A, LYSOSOMAL; BETA-MANNOSIDASE DEFICIENCY; LYSOSOMAL BETA-MANNOSIDASE DEFICIENCY; Beta-Mannosidosis. Identifiers: Orphanet 118, MedGen C4048196, MONDO:0009562, OMIM 248510.
Inborn genetic diseases. Identifiers: MedGen C0950123, MeSH D030342.

Allele frequency attached by ClinVar (database versions not stated): gnomAD exomes 0.00002.
gnomAD v4.1: 35 of 1,608,932 alleles (0.0022%); highest among the groups gnomAD compares: African/African-American, 0.004%; no homozygotes.

Submissions (2):

Ambry Genetics
Classification: Uncertain significance for Inborn genetic diseases. Last evaluated: 2024-11-15. Review status: criteria provided, single submitter. Criteria: Ambry Variant Classification Scheme 2023. Collection method: clinical testing. Allele origin: germline.

Center of Genomic medicine, Geneva, University Hospital of Geneva
Classification: Likely pathogenic for Beta-D-mannosidosis. Last evaluated: 2023-01-26. Review status: criteria provided, single submitter. Criteria: ACMG Guidelines, 2015. Collection method: clinical testing. Allele origin: maternal. Affected: yes. Observed: 1 variant allele.
Comment: This variant is present in compound heterozygosity with another variant in the same gene